The following is an entry in ClinVar:

NM_000179.3(MSH6):c.3172+1G>A

Gene: MSH6 (mutS homolog 6; plus strand). Cytogenetic location: 2p16.3.
Variant type: single nucleotide variant.
Coding change: c.3172+1G>A on transcript NM_000179.3 (MANE Select); the canonical splice donor site of the intron after coding-DNA position 3172, G replaced by A.
Molecular consequence: splice donor variant. On other transcripts: intron variant (2).
Genome position (GRCh38, 1-based): chr2:47,801,156, G>A. VCF-style: chr2-47801156-G-A. GRCh37 (hg19) VCF-style: chr2-48028295-G-A.
Other names: c.3172+1G>A (NM_001406809.1, NM_001406796.1, NM_001406808.1 and 2 more transcripts); c.2266+1G>A (NM_001406811.1, NM_001406814.1, NM_001281493.2 and 6 more transcripts); c.2875+1G>A (NM_001406805.1, NM_001406797.1, NM_001406801.1 and 10 more transcripts); c.3268+1G>A (NM_001406795.1, NM_001406802.1); c.3178+1G>A (NM_001406813.1); c.2647+1G>A (NM_001406807.1, NM_001406799.1, NM_001406806.1); c.2308+865G>A (NM_001406803.1); c.1606+1567G>A (NM_001406817.1); and 4 more.
Identifiers: ClinVar variation 428291 (VCV000428291.15), dbSNP rs587779255, ClinGen allele CA346756752.
Genomic context (GRCh38, chr2:47,801,156, plus strand): 5'-ATAACTTTGATAAAAATTACAAGGACTGGCAGTCTGCTGTAGAGTGTATCGCAGTGTTGG[G>A]TAAGACTTTGAACAAGCTTGTTCTCAGGCTTTGATAAGTAGTGCTGTTTGCCAGCTGTAT-3'

ClinVar aggregate classification (germline): Pathogenic/Likely pathogenic. Review status: criteria provided, multiple submitters, no conflicts (2 of 4 stars). 4 submissions from 4 submitters: Pathogenic (3); Likely pathogenic (1). Last evaluated 2025-10-26.

Conditions:
Hereditary cancer-predisposing syndrome. Also called: Hereditary Cancer Syndrome; Neoplastic Syndromes, Hereditary; Hereditary neoplastic syndrome; Tumor predisposition. Identifiers: Orphanet 140162, MedGen C0027672, MeSH D009386, MONDO:0015356.
Lynch syndrome 5 (LYNCH5). Also called: Hereditary non-polyposis colorectal cancer, type 5; Colorectal cancer, hereditary nonpolyposis, type 5. Identifiers: Orphanet 144, MedGen C1833477, MONDO:0013710, OMIM 614350. Disease mechanism: loss of function.
Hereditary nonpolyposis colorectal neoplasms. Identifiers: MedGen C0009405, MeSH D003123.

Submissions (4):

Labcorp Genetics (formerly Invitae), Labcorp
Classification: Pathogenic for Hereditary nonpolyposis colorectal neoplasms. Last evaluated: 2025-10-26. Review status: criteria provided, single submitter. Criteria: Invitae Variant Classification Sherloc (09022015). Collection method: clinical testing. Allele origin: germline.
Comment: This sequence change affects a donor splice site in intron 4 of the MSH6 gene. It is expected to disrupt RNA splicing. Variants that disrupt the donor or acceptor splice site typically lead to a loss of protein function (PMID: 16199547), and loss-of-function variants in MSH6 are known to be pathogenic (PMID: 18269114, 24362816). This variant is not present in population databases (gnomAD no frequency). Disruption of this splice site has been observed in individuals with MSH6-related conditions (PMID: 20487569; internal data). ClinVar contains an entry for this variant (Variation ID: 428291). Studies have shown that disruption of this splice site is associated with inconclusive levels of altered splicing (internal data). For these reasons, this variant has been classified as Pathogenic.

Myriad Genetics, Inc.
Classification: Likely pathogenic for Lynch syndrome 5. Last evaluated: 2023-08-22. Review status: criteria provided, single submitter. Criteria: Myriad Autosomal Dominant, Autosomal Recessive and X-Linked Classification Criteria (2023). Collection method: clinical testing. Allele origin: unknown.
Comment: This variant is considered likely pathogenic. This variant occurs within a consensus splice junction and is predicted to result in abnormal mRNA splicing of either an out-of-frame exon or an in-frame exon necessary for protein stability and/or normal function.

GeneDx
Classification: Pathogenic. Last evaluated: 2023-07-03. Review status: criteria provided, single submitter. Criteria: GeneDx Variant Classification Process June 2021. Collection method: clinical testing. Allele origin: germline. Affected: yes.
Comment: Canonical splice site variant predicted to result in a null allele in a gene for which loss of function is a known mechanism of disease; Not observed at significant frequency in large population cohorts (gnomAD); Has not been previously published as pathogenic or benign to our knowledge; This variant is associated with the following publications: (PMID: 24362816, 20487569, 28152038, 18269114)

Ambry Genetics
Classification: Pathogenic for Hereditary cancer-predisposing syndrome. Last evaluated: 2023-01-23. Review status: criteria provided, single submitter. Criteria: Ambry Variant Classification Scheme 2023. Collection method: clinical testing. Allele origin: germline.
Comment: The c.3172+1G>A intronic pathogenic mutation results from a G to A substitution one nucleotide after coding exon 4 of the MSH6 gene. Another alteration impacting the same donor site (c.3172+1G>T) has been detected in a colorectal cancer patient whose tumor showed isolated loss of MSH6 by immunohistochemistry and whose family history met Amsterdam II criteria (Talseth-Palmer BA et al. Hered. Cancer Clin. Pract. 2010 May;8:5). In silico splice site analysis predicts that this alteration will weaken the native splice donor site; however, direct evidence is insufficient at this time (Ambry internal data). This variant is considered to be rare based on population cohorts in the Genome Aggregation Database (gnomAD). Alterations that disrupt the canonical splice site are expected to cause aberrant splicing, resulting in an abnormal protein or a transcript that is subject to nonsense-mediated mRNA decay. As such, this alteration is classified as a disease-causing mutation.

Literature cited by the submitters: PubMed 16199547 (cited by Labcorp Genetics (formerly Invitae), Labcorp); PubMed 18269114 (cited by Labcorp Genetics (formerly Invitae), Labcorp); PubMed 24362816 (cited by Labcorp Genetics (formerly Invitae), Labcorp); PubMed 20487569 (cited by Labcorp Genetics (formerly Invitae), Labcorp).